The following is an entry in ClinVar:

NM_003072.5(SMARCA4):c.4546A>G (p.Asn1516Asp)

Gene: SMARCA4 (SWI/SNF related BAF chromatin remodeling complex subunit ATPase 4; plus strand). Cytogenetic location: 19p13.2.
Variant type: single nucleotide variant.
Coding change: c.4546A>G on transcript NM_003072.5 (MANE Select); coding-DNA position 4546, A replaced by G.
Protein change: p.Asn1516Asp; replaces asparagine 1516 with aspartic acid.
Molecular consequence: missense variant. On other transcripts: non-coding transcript variant (1).
Genome position (GRCh38, 1-based): chr19:11,058,800, A>G. VCF-style: chr19-11058800-A-G. GRCh37 (hg19) VCF-style: chr19-11169476-A-G.
Other names: c.4546A>G, p.Asn1516Asp (NM_001128844.3); c.4456A>G, p.Asn1486Asp (NM_001128845.2); c.4453A>G, p.Asn1485Asp (NM_001128846.2); c.4447A>G, p.Asn1483Asp (NM_001128847.4, NM_001374457.1); c.4444A>G, p.Asn1482Asp (NM_001128848.2); c.4642A>G, p.Asn1548Asp (NM_001128849.3, NM_001387283.1); short protein forms N1516D, N1548D, N1483D, N1485D, N1482D, N1486D.
Identifiers: ClinVar variation 135253 (VCV000135253.17), dbSNP rs587778684, ClinGen allele CA162151.

ClinVar aggregate classification (germline): Conflicting classifications of pathogenicity. Review status: criteria provided, conflicting classifications (1 of 4 stars). 5 submissions from 5 submitters: Uncertain significance (3); Likely benign (1). 1 of the submissions does not count toward it. Last evaluated 2025-12-17.

Conditions:
Hereditary cancer-predisposing syndrome. Also called: Tumor predisposition; Hereditary neoplastic syndrome; Neoplastic Syndromes, Hereditary; Hereditary Cancer Syndrome. Identifiers: Orphanet 140162, MedGen C0027672, MeSH D009386, MONDO:0015356.
Intellectual disability, autosomal dominant 16 (CSS4). Also called: COFFIN-SIRIS SYNDROME 4. Identifiers: Orphanet 1465, MedGen C3553249, MONDO:0013821, OMIM 614609.
Rhabdoid tumor predisposition syndrome 2 (RTPS2). Identifiers: Orphanet 231108, Orphanet 69077, MedGen C2750074, MONDO:0013224, OMIM 613325.

Allele frequency attached by ClinVar (database versions not stated): ExAC 0.00001; gnomAD exomes 0.00001 and 0.00002.
gnomAD v4.1: 23 of 1,614,116 alleles (0.0014%); highest among the groups gnomAD compares: Non-Finnish European, 0.0019%; no homozygotes.

Submissions (5):

Labcorp Genetics (formerly Invitae), Labcorp
Classification: Uncertain significance for Rhabdoid tumor predisposition syndrome 2. Last evaluated: 2025-12-17. Review status: criteria provided, single submitter. Criteria: Invitae Variant Classification Sherloc (09022015). Collection method: clinical testing. Allele origin: germline.
Comment: This sequence change replaces asparagine, which is neutral and polar, with aspartic acid, which is acidic and polar, at codon 1548 of the SMARCA4 protein (p.Asn1548Asp). This variant is present in population databases (rs587778684, gnomAD 0.002%). This missense change has been observed in individual(s) with clinical features of SMARCA4-related conditions (PMID: 37500730). ClinVar contains an entry for this variant (Variation ID: 135253). Invitae Evidence Modeling of protein sequence and biophysical properties (such as structural, functional, and spatial information, amino acid conservation, physicochemical variation, residue mobility, and thermodynamic stability) indicates that this missense variant is not expected to disrupt SMARCA4 protein function with a negative predictive value of 95%. In summary, the available evidence is currently insufficient to determine the role of this variant in disease. Therefore, it has been classified as a Variant of Uncertain Significance.

GeneDx
Classification: Uncertain significance. Last evaluated: 2023-05-21. Review status: criteria provided, single submitter. Criteria: GeneDx Variant Classification Process June 2021. Collection method: clinical testing. Allele origin: germline. Affected: yes.
Comment: In silico analysis supports that this missense variant does not alter protein structure/function; Identified in healthy individuals undergoing whole genome sequencing (Bodian et al., 2014); This variant is associated with the following publications: (PMID: 24658002, 24728327)

Genome-Nilou Lab
Classification: Uncertain significance for Intellectual disability, autosomal dominant 16. Last evaluated: 2021-07-15. Review status: criteria provided, single submitter. Criteria: ACMG Guidelines, 2015. Collection method: clinical testing. Allele origin: germline. Affected: no.

Ambry Genetics
Classification: Likely benign for Hereditary cancer-predisposing syndrome. Last evaluated: 2021-03-31. Review status: criteria provided, single submitter. Criteria: Ambry Variant Classification Scheme 2023. Collection method: clinical testing. Allele origin: germline.

ITMI
No classification provided. Condition: AllHighlyPenetrant. Last evaluated: 2013-09-19. Review status: no classification provided. Collection method: reference population. Allele origin: germline. Not counted in ClinVar's aggregate classification.
Comment: Please see associated publication for description of ethnicities

Literature cited by the submitters: PubMed 37500730 (cited by Labcorp Genetics (formerly Invitae), Labcorp); PubMed 24728327 (cited by Ambry Genetics and ITMI).